The following is an entry in ClinVar:

ClinVar aggregate classification (germline): Pathogenic. Review status: reviewed by expert panel (3 of 4 stars). 50 submissions from 49 submitters: Pathogenic (1). 49 of the submissions do not count toward it. Last evaluated 2017-04-03.
ClinVar aggregate classification (somatic clinical impact): Tier II - Potential (1 of 4 stars; one submission).

Conditions:
Fetal anomalies with a likely genetic cause.
RAF1-related disorder. Also called: RAF1-related disorders; RAF1-related condition.
Noonan syndrome and Noonan-related syndrome. Identifiers: Orphanet 98733, MedGen C5681679, MONDO:0020297.
Noonan syndrome 5 (NS5). Also called: RAF1-Related Noonan Syndrome. Identifiers: Orphanet 648, MedGen C1969057, MONDO:0012690, OMIM 611553. Disease mechanism: gain of function.
Dilated cardiomyopathy 1NN. Identifiers: Orphanet 154, MedGen C4014656, MONDO:0014396, OMIM 615916.
LEOPARD syndrome 2 (LPRD2). Also called: RAF1-Related LEOPARD Syndrome. Identifiers: Orphanet 500, MedGen C1969056, MONDO:0012691, OMIM 611554.
Cardiovascular phenotype. Identifiers: MedGen CN230736.
Noonan syndrome (NS). Also called: Noonan's syndrome. Identifiers: Orphanet 648, MedGen C0028326, MeSH D009634, MONDO:0018997. Disease mechanism: gain of function.
Noonan syndrome with multiple lentigines. Identifiers: Orphanet 500, MedGen C0175704, MONDO:0007893.
RASopathy. Also called: Noonan spectrum disorder; rasopathies. Identifiers: Orphanet 536391, MedGen C5555857, MONDO:0021060.
Noonan syndrome 1 (NS1). Also called: FEMALE PSEUDO-TURNER SYNDROME; TURNER PHENOTYPE WITH NORMAL KARYOTYPE; PTPN11-Related Noonan Syndrome. Identifiers: Orphanet 648, MedGen C4551602, MONDO:0008104, OMIM 163950. Disease mechanism: gain of function.
Embryonal rhabdomyosarcoma (ERMS). Also called: Botryoid rhabdomyosarcoma (type of ERMS); Spindle cell rhabdomyosarcomas (type of ERMS). Identifiers: Orphanet 99757, MedGen C0206656, MONDO:0009993, HP:0006743.

Submissions 1 to 7 of 51:

ClinGen RASopathy Variant Curation Expert Panel
Classification: Pathogenic for Noonan syndrome. Last evaluated: 2017-04-03. Review status: reviewed by expert panel. Criteria: ClinGen RASopathy ACMG Specifications v1. Collection method: curation. Allele origin: germline. Inheritance: Autosomal dominant inheritance.
Comment: The c.770C>T (p.Ser257Leu) variant in RAF1 has been reported in the literature in at least 2 unconfirmed de novo occurrences in patients with clinical features of a RASopathy (PM6_Strong; PMID 17603482,22389993, 23877478, 23312806, 25706034). In vitro functional studies provide some evidence that the p.Ser257Leu variant may impact protein function (PS3; PMID 17603482). This variant was absent from large population studies (PM2; ExAC). The variant is located in the RAF1 gene, which has been defined by the ClinGen RASopathy Expert Panel as a gene with a low rate of benign missense variants and pathogenic missense variants are common (PP2; PMID: 29493581). Furthermore, the variant is in a location that has been defined by the ClinGen RASopathy Expert Panel to be a mutational hotspot or domain of RAF1 (PM1; PMID 29493581). In summary, this variant meets criteria to be classified as pathogenic for RASopathies in an autosomal dominant manner. ACMG/AMP criteria applied: PP2, PM1, PM2, PS3, PM6_Strong.

Genetics Laboratory, Great Ormond Street Hospital NHS Foundation Trust, North Thames Genomic Laboratory Hub
Classification: Pathogenic for Fetal anomalies with a likely genetic cause. Last evaluated: 2026-09-24. Review status: criteria provided, single submitter. Criteria: ACGS Best Practice Guidelines for Variant Classification in Rare Disease 2024 v1.2. Collection method: clinical testing. Allele origin: germline. Affected: yes. Not counted in ClinVar's aggregate classification.
Comment: PS4_moderate, PM2_moderate, PS3_moderate, PM1_moderate, PS2_very-strong

PreventionGenetics, part of Exact Sciences
Classification: Pathogenic for RAF1-related condition. Last evaluated: 2026-08-12. Review status: criteria provided, single submitter. Criteria: ACMG Guidelines, 2015. Collection method: clinical testing. Allele origin: germline. Not counted in ClinVar's aggregate classification.
Comment: The RAF1 c.770C>T variant is predicted to result in the amino acid substitution p.Ser257Leu. This variant has been well documented to be causative for Noonan syndrome (Razzaque et al. 2007. PubMed ID: 17603482; Zarate et al. 2014. PubMed ID: 23877478; Hopper et al. 2015. PubMed ID: 25706034; Wen et al. 2022. PubMed ID: 35199448; Qin et al. 2023. PubMed ID: 37880672). This variant has been documented in the de novo state in individuals with Noonan syndrome (Swarts et al. 2022. PubMed ID: 35979676; PreventionGenetics Internal Data). Functional studies demonstrate increased p-MEK/ERK levels, consistent with a gain-of-function mechanism that results in the hyperactivation of the RAS pathway (Razzaque et al. 2007. PubMed ID: 17603482). In ClinVar, this variant has been consistently classified as pathogenic. This variant is interpreted as pathogenic.

OLLIN Analises Genomicas, OLLIN
Classification: Pathogenic. Last evaluated: 2026-08-06. Review status: criteria provided, single submitter. Criteria: ACMG Guidelines 2015 PMID 25741868. Collection method: clinical testing. Allele origin: de novo. Not counted in ClinVar's aggregate classification.
Comment: This missense variant, located in exon 7 (of 17), is absent from gnomAD but has been reported in ClinVar (accession VCV000013957.121) and in the scientific literature, also being identified de novo, in individuals with RAF1 related disorders (PMID: 17603482, 17603483, 20052757, 22389993, 23877478, 29493581, 25706034). In silico analysis is inconclusive regarding the impact of this variant; however, functional studies suggest that it may affect protein function (PMID: 17603482, 17603483). This variant is located in a region considered to be a mutational hotspot (PMID: 29493581). According to the currently available evidence, this variant has been classified as pathogenic (PS3_P, PS4, PM1, PM2_P, PM6_S).

3billion
Classification: Pathogenic for Noonan syndrome 5. Last evaluated: 2026-01-26. Review status: criteria provided, single submitter. Criteria: ACMG Guidelines, 2015. Collection method: clinical testing. Allele origin: germline. Affected: yes. Not counted in ClinVar's aggregate classification.
Comment: The variant is not observed in the gnomAD v4.1.0 dataset. Predicted Consequence/Location: The variant is located in a mutational hot spot and/or well-established functional domain in which established pathogenic variants have been reported (PMID: 29493581). Functional studies provide strong evidence of the variant having a damaging effect on the gene or gene product (PMID: 17603482, 20052757). In silico tool predictions suggest damaging effect of the variant on gene or gene product [REVEL: 0.65 (>=0.6, sensitivity 0.68 and specificity 0.92); 3Cnet: 0.99 (> 0.75, sensitivity 0.96 and precision 0.92)]. The same nucleotide change resulting in the same amino acid change has been previously reported as pathogenic/likely pathogenic with strong evidence (ClinVar ID: VCV000013957 /PMID: 17603482 /3billion dataset). The variant has been previously reported as de novo in at least two similarly affected unrelated individuals (PMID: 17603483, 23877478). The variant has been previously reported as assumed (i.e. paternity and maternity not confirmed) de novo in at least two similarly affected unrelated individuals (PMID: 17603482, 22389993, 23877478, 25706034). Different missense changes at the same codon (p.Ser257Pro, p.Ser257Thr, p.Ser257Trp) have been reported as pathogenic/likely pathogenic with strong evidence (ClinVar ID: VCV000040600, VCV000376514, VCV000618340). Therefore, this variant is classified as Pathogenic according to the recommendation of ACMG/AMP guideline.

Prenatal Diagnosis Unit, University Medical Center at Ho Chi Minh City, University of Medicine and Pharmacy at Ho Chi Minh City
Classification: Pathogenic for Noonan syndrome 5. Last evaluated: 2025-10-22. Review status: criteria provided, single submitter. Criteria: ACMG Guidelines, 2015. Collection method: provider interpretation. Allele origin: de novo. Inheritance: Autosomal dominant inheritance. Affected: yes. Observed: 1 variant allele. Not counted in ClinVar's aggregate classification.
Comment: Missense variants in this gene, including our case, were reported in the literature in multiple individuals affected with Noonan Syndrome and Related Conditions, multiple of cases were de novo (PMID: 26918529, 23877478, 30384889, 35050212, 32506814, 31219622, 34184824, 30417923, 25706034, 24033266, 23312806, 22389993, 17603483, 20052757, 24775816, 24803665, 28973083, 29084544, 28777121, 30732632, 30138938, 30055033, 30355600, 30105547, 21784453, 21440552, 28991257, 30050098, 29907801, 31395954, 31560489, 31324109, 31163979, 32573669, 32668055, 34136434, 33318624, 17603482, 32981126, 33673806, 32410215, 33240318, 32746448, 32368696, 34006472, 24957944, 9689060, 15520807, 29493581). The variant was absent in 246848 control chromosomes (gnomAD) while it was reported in several Noonan Syndrome patients. Different amino acid substitutions affecting the same amino acid (p.Asp61His, p.Asp61Ala, p.Asp61Gly) and nearby amino acids (p.Gly60Ser, p.Gly60Cys, p.Gly60Ala, p.Gly60Val, p.Tyr62Asn, p.Tyr62Asp, p.Tyr62Cys) have been reported as pathogenic (Human Gene Mutation Database, Clinvar). Invitae Evidence Modeling of protein sequence and biophysical properties (such as structural, functional, and spatial information, amino acid conservation, physicochemical variation, residue mobility, and thermodynamic stability) indicates that this missense variant is expected to disrupt RAF1 protein function with a positive predictive value of 95%. this variant is reported in the literature to be located in the key functional domain of the gene [PMID:29493581]. In conclusion, this variant is classified as a pathogenic variant according to the ACMG/AMP 2015 guidelines, based on criteria PS1, PS4, PM1, PM2, PM6_Strong, PP2, PP3.

Genesolutions, Medical Genetics Institutes, Ho Chi Minh City, Vietnam
Classification: Pathogenic for Noonan syndrome 5. Last evaluated: 2025-09-24. Review status: criteria provided, single submitter. Criteria: ACMG Guidelines, 2015. Collection method: clinical testing. Allele origin: germline. Affected: yes. Not counted in ClinVar's aggregate classification.

NM_002880.4(RAF1):c.770C>T (p.Ser257Leu)

Gene: RAF1 (Raf-1 proto-oncogene, serine/threonine kinase; minus strand). Cytogenetic location: 3p25.2.
Variant type: single nucleotide variant.
Coding change: c.770C>T on transcript NM_002880.4 (MANE Select); coding-DNA position 770, C replaced by T.
Protein change: p.Ser257Leu; replaces serine 257 with leucine.
Molecular consequence: missense variant. On other transcripts: non-coding transcript variant (3).
Genome position (GRCh38, 1-based): chr3:12,604,200, G>A on the plus strand (C>T on the coding strand, the complement: RAF1 is on the minus strand). VCF-style: chr3-12604200-G-A. GRCh37 (hg19) VCF-style: chr3-12645699-G-A.
Other names: p.S257L:TCG>TTG; NM_002880.3(RAF1):c.770C>T; c.770C>T, p.Ser257Leu (NM_001354689.3, NM_001354690.3); c.527C>T, p.Ser176Leu (NM_001354691.3, NM_001354692.3, NM_001354694.3); c.671C>T, p.Ser224Leu (NM_001354693.3); c.428C>T, p.Ser143Leu (NM_001354695.3); short protein forms S257L, S224L, S143L, S176L.
Identifiers: ClinVar variation 13957 (VCV000013957.125), dbSNP rs80338796, ClinGen allele CA235334.